The following is an entry in ClinVar:

NM_007215.4(POLG2):c.1339A>G (p.Thr447Ala)

Genes: MILR1 (mast cell immunoglobulin like receptor 1; plus strand), POLG2 (DNA polymerase gamma 2, accessory subunit; minus strand). Cytogenetic location: 17q23.3.
Variant type: single nucleotide variant.
Coding change: c.1339A>G on transcript NM_007215.4 (MANE Select); coding-DNA position 1339, A replaced by G.
Protein change: p.Thr447Ala; replaces threonine 447 with alanine.
Molecular consequence: missense variant.
Genome position (GRCh38, 1-based): chr17:64,477,942, T>C on the plus strand (A>G on the coding strand, the complement: POLG2 is on the minus strand). VCF-style: chr17-64477942-T-C. GRCh37 (hg19) VCF-style: chr17-62474059-T-C.
Other names: short protein forms T447A.
Identifiers: ClinVar variation 2168689 (VCV002168689.4), dbSNP rs782496125, ClinGen allele CA8712756.

ClinVar aggregate classification (germline): Uncertain significance (1 of 4 stars; one submission).

Allele frequency attached by ClinVar (database versions not stated): gnomAD exomes 0.00001; ExAC 0.00002; gnomAD 0.00002; TOPMed 0.00006.
gnomAD v4.1: 8 of 1,614,046 alleles (0.0005%); highest among the groups gnomAD compares: East Asian, 0.018%; no homozygotes.

Submission:

Labcorp Genetics (formerly Invitae), Labcorp
Classification: Uncertain significance. Last evaluated: 2023-04-17. Review status: criteria provided, single submitter. Criteria: Invitae Variant Classification Sherloc (09022015). Collection method: clinical testing. Allele origin: germline.
Comment: In summary, the available evidence is currently insufficient to determine the role of this variant in disease. Therefore, it has been classified as a Variant of Uncertain Significance. An algorithm developed to predict the effect of missense changes on protein structure and function (PolyPhen-2) suggests that this variant is likely to be disruptive. ClinVar contains an entry for this variant (Variation ID: 2168689). This variant has not been reported in the literature in individuals affected with POLG2-related conditions. This variant is present in population databases (rs782496125, gnomAD 0.04%). This sequence change replaces threonine, which is neutral and polar, with alanine, which is neutral and non-polar, at codon 447 of the POLG2 protein (p.Thr447Ala).